The following is an entry in ClinVar:

NM_001374736.1(DST):c.5261G>C (p.Gly1754Ala)

Gene: DST (dystonin; minus strand). Cytogenetic location: 6p12.1.
Variant type: single nucleotide variant.
Coding change: c.5261G>C on transcript NM_001374736.1 (MANE Select); coding-DNA position 5261, G replaced by C.
Protein change: p.Gly1754Ala; replaces glycine 1754 with alanine.
Molecular consequence: missense variant.
Genome position (GRCh38, 1-based): chr6:56,610,449, C>G on the plus strand (G>C on the coding strand, the complement: DST is on the minus strand). VCF-style: chr6-56610449-C-G. GRCh37 (hg19) VCF-style: chr6-56475247-C-G.
Other names: c.5162G>C, p.Gly1721Ala (NM_001144769.5); c.4748G>C, p.Gly1583Ala (NM_001144770.2); c.5261G>C, p.Gly1754Ala (NM_001374722.1); c.4628G>C, p.Gly1543Ala (NM_001374729.1, NM_001374730.1, NM_001386100.1 and 1 more transcripts); c.5288G>C, p.Gly1763Ala (NM_001374734.1); c.3650G>C, p.Gly1217Ala (NM_015548.5); short protein forms G1721A, G1754A, G1763A, G1583A, G1217A, G1543A.
Identifiers: ClinVar variation 1745736 (VCV001745736.2), dbSNP rs2536476298, ClinGen allele CA364561095.

ClinVar aggregate classification (germline): Uncertain significance (1 of 4 stars; one submission).

Conditions:
Inborn genetic diseases. Identifiers: MedGen C0950123, MeSH D030342.

Allele frequency attached by ClinVar (database versions not stated): gnomAD exomes below 0.00001.
gnomAD v4.1: 1 of 1,563,868 alleles (0.000064%); highest among the groups gnomAD compares: Non-Finnish European, 0.000087%; no homozygotes.

Submission:

Ambry Genetics
Classification: Uncertain significance for Inborn genetic diseases. Last evaluated: 2022-05-21. Review status: criteria provided, single submitter. Criteria: Ambry Variant Classification Scheme 2023. Collection method: clinical testing. Allele origin: germline.
Comment: The p.G1721A variant (also known as c.5162G>C), located in coding exon 38 of the DST gene, results from a G to C substitution at nucleotide position 5162. The glycine at codon 1721 is replaced by alanine, an amino acid with similar properties. This amino acid position is not well conserved in available vertebrate species. In addition, this alteration is predicted to be tolerated by in silico analysis. Since supporting evidence is limited at this time, the clinical significance of this alteration remains unclear.